The following is an entry in ClinVar:

ClinVar aggregate classification (germline): Uncertain significance (1 of 4 stars; one submission).

Conditions:
Neuropathy, hereditary sensory and autonomic, type 2A (HSAN2A). Also called: HSAN IIA; ACROOSTEOLYSIS, GIACCAI TYPE; ACROOSTEOLYSIS, NEUROGENIC; WNK1-Related HSAN2 (HSAN2A); MORVAN DISEASE; NEUROPATHY, CONGENITAL SENSORY. Identifiers: Orphanet 970, MedGen C2752089, MONDO:0024309, OMIM 201300.
Generalized epilepsy with febrile seizures plus, type 7 (GEFSP7). Also called: GEFS+, TYPE 7. Identifiers: Orphanet 36387, MedGen C2751778, MONDO:0013470, OMIM 613863.

Submission:

Labcorp Genetics (formerly Invitae), Labcorp
Classification: Uncertain significance for Neuropathy, hereditary sensory and autonomic, type 2A; Generalized epilepsy with febrile seizures plus, type 7. Last evaluated: 2018-06-04. Review status: criteria provided, single submitter. Criteria: Invitae Variant Classification Sherloc (09022015). Collection method: clinical testing. Allele origin: germline.
Comment: In summary, the available evidence is currently insufficient to determine the role of this variant in disease. Therefore, it has been classified as a Variant of Uncertain Significance. Algorithms developed to predict the effect of missense changes on protein structure and function (SIFT, PolyPhen-2, Align-GVGD) all suggest that this variant is likely to be disruptive, but these predictions have not been confirmed by published functional studies and their clinical significance is uncertain. This variant has not been reported in the literature in individuals with SCN9A-related disease. This variant is not present in population databases (ExAC no frequency). This sequence change replaces arginine with glycine at codon 1288 of the SCN9A protein (p.Arg1288Gly). The arginine residue is highly conserved and there is a moderate physicochemical difference between arginine and glycine.

NM_001365536.1(SCN9A):c.3895A>G (p.Arg1299Gly)

Genes: SCN1A-AS1 (SCN1A and SCN9A antisense RNA 1; plus strand), SCN9A (sodium voltage-gated channel alpha subunit 9; minus strand). Cytogenetic location: 2q24.3.
Variant type: single nucleotide variant.
Coding change: c.3895A>G on transcript NM_001365536.1 (MANE Select); coding-DNA position 3895, A replaced by G.
Protein change: p.Arg1299Gly; replaces arginine 1299 with glycine.
Molecular consequence: missense variant.
Genome position (GRCh38, 1-based): chr2:166,233,369, T>C on the plus strand (A>G on the coding strand, the complement: SCN9A is on the minus strand). VCF-style: chr2-166233369-T-C. GRCh37 (hg19) VCF-style: chr2-167089879-T-C.
Other names: c.3862A>G, p.Arg1288Gly (NM_002977.4); short protein forms R1288G, R1299G.
Identifiers: ClinVar variation 575409 (VCV000575409.9), dbSNP rs1553480088, ClinGen allele CA349066399.
Genomic context (GRCh38, chr2:166,233,369, plus strand): 5'-AAGAACATTATAAAGTTTAGTATTTTCTTACCCTCATTCCTTCAAATCTAGATAAGGCTC[T>C]TAGAGGTCTTAAAGCTCTCAGTGTCCGAAGGGATTTAATGGGGCCAAGATCTGAGTAGCC-3'
Protein context (NP_001352465.1, residues 1289-1309): LRTLRALRPL[Arg1299Gly]ALSRFEGMRV